The following is an entry in ClinVar:

ClinVar aggregate classification (germline): Uncertain significance (1 of 4 stars; one submission).

Submission:

Labcorp Genetics (formerly Invitae), Labcorp
Classification: Uncertain significance. Last evaluated: 2024-02-02. Review status: criteria provided, single submitter. Criteria: Invitae Variant Classification Sherloc (09022015). Collection method: clinical testing. Allele origin: germline.
Comment: This sequence change replaces asparagine, which is neutral and polar, with lysine, which is basic and polar, at codon 4469 of the USH2A protein (p.Asn4469Lys). This variant is not present in population databases (gnomAD no frequency). This variant has not been reported in the literature in individuals affected with USH2A-related conditions. ClinVar contains an entry for this variant (Variation ID: 844877). Advanced modeling of protein sequence and biophysical properties (such as structural, functional, and spatial information, amino acid conservation, physicochemical variation, residue mobility, and thermodynamic stability) performed at Invitae indicates that this missense variant is not expected to disrupt USH2A protein function with a negative predictive value of 95%. In summary, the available evidence is currently insufficient to determine the role of this variant in disease. Therefore, it has been classified as a Variant of Uncertain Significance.

NM_206933.4(USH2A):c.13407C>A (p.Asn4469Lys)

Gene: USH2A (usherin; minus strand). Cytogenetic location: 1q41.
Variant type: single nucleotide variant.
Coding change: c.13407C>A on transcript NM_206933.4 (MANE Select); coding-DNA position 13407, C replaced by A.
Protein change: p.Asn4469Lys; replaces asparagine 4469 with lysine.
Molecular consequence: missense variant.
Genome position (GRCh38, 1-based): chr1:215,674,504, G>T on the plus strand (C>A on the coding strand, the complement: USH2A is on the minus strand). VCF-style: chr1-215674504-G-T. GRCh37 (hg19) VCF-style: chr1-215847846-G-T.
Other names: short protein forms N4469K.
Identifiers: ClinVar variation 844877 (VCV000844877.7), dbSNP rs1657932622, ClinGen allele CA344845369.